The following is an entry in ClinVar:

ClinVar aggregate classification (germline): Uncertain significance (1 of 4 stars; one submission).

Submission:

Ambry Genetics
Classification: Uncertain significance. Last evaluated: 2024-08-25. Review status: criteria provided, single submitter. Criteria: Ambry Variant Classification Scheme 2023. Collection method: clinical testing. Allele origin: germline.
Comment: The p.L199F variant (also known as c.595C>T), located in coding exon 1 of the MLH3 gene, results from a C to T substitution at nucleotide position 595. The leucine at codon 199 is replaced by phenylalanine, an amino acid with highly similar properties. This amino acid position is conserved. In addition, the in silico prediction for this alteration is inconclusive. Based on the available evidence, the clinical significance of this variant remains unclear.

NM_001040108.2(MLH3):c.595C>T (p.Leu199Phe)

Gene: MLH3 (mutL homolog 3; minus strand). Cytogenetic location: 14q24.3.
Variant type: single nucleotide variant.
Coding change: c.595C>T on transcript NM_001040108.2 (MANE Select); coding-DNA position 595, C replaced by T.
Protein change: p.Leu199Phe; replaces leucine 199 with phenylalanine.
Molecular consequence: missense variant.
Genome position (GRCh38, 1-based): chr14:75,049,061, G>A on the plus strand (C>T on the coding strand, the complement: MLH3 is on the minus strand). VCF-style: chr14-75049061-G-A. GRCh37 (hg19) VCF-style: chr14-75515764-G-A.
Other names: c.595C>T, p.Leu199Phe (NM_014381.3); short protein forms L199F.
Identifiers: ClinVar variation 3396699 (VCV003396699.1).